The following is an entry in ClinVar:

NM_016169.4(SUFU):c.794A>C (p.Asn265Thr)

Gene: SUFU (SUFU negative regulator of hedgehog signaling; plus strand). Cytogenetic location: 10q24.32.
Variant type: single nucleotide variant.
Coding change: c.794A>C on transcript NM_016169.4 (MANE Select); coding-DNA position 794, A replaced by C.
Protein change: p.Asn265Thr; replaces asparagine 265 with threonine.
Molecular consequence: missense variant.
Genome position (GRCh38, 1-based): chr10:102,597,177, A>C. VCF-style: chr10-102597177-A-C. GRCh37 (hg19) VCF-style: chr10-104356934-A-C.
Other names: c.794A>C, p.Asn265Thr (NM_001178133.2); short protein forms N265T.
Identifiers: ClinVar variation 5030357 (VCV005030357.1).

ClinVar aggregate classification (germline): Uncertain significance (1 of 4 stars; one submission).

Conditions:
Hereditary cancer-predisposing syndrome. Also called: Neoplastic Syndromes, Hereditary; Tumor predisposition; Hereditary neoplastic syndrome; Hereditary Cancer Syndrome. Identifiers: Orphanet 140162, MedGen C0027672, MeSH D009386, MONDO:0015356.

Submission:

Ambry Genetics
Classification: Uncertain significance for Hereditary cancer-predisposing syndrome. Last evaluated: 2026-06-20. Review status: criteria provided, single submitter. Criteria: Ambry Variant Classification Scheme 2023. Collection method: clinical testing. Allele origin: germline.
Comment: The p.N265T variant (also known as c.794A>C), located in coding exon 7 of the SUFU gene, results from an A to C substitution at nucleotide position 794. The asparagine at codon 265 is replaced by threonine, an amino acid with similar properties. This amino acid position is conserved. In addition, this alteration is predicted to be tolerated by in silico analysis. Based on the available evidence, the clinical significance of this variant remains unclear.